The following is an entry in ClinVar:

ClinVar aggregate classification (germline): Pathogenic (1 of 4 stars; one submission).

Conditions:
Autosomal dominant polycystic kidney disease. Identifiers: Orphanet 730, MedGen C0085413, MONDO:0004691.

Allele frequency attached by ClinVar (database versions not stated): gnomAD exomes below 0.00001.

Submission:

Labcorp Genetics (formerly Invitae), Labcorp
Classification: Pathogenic for Autosomal dominant polycystic kidney disease. Last evaluated: 2023-05-08. Review status: criteria provided, single submitter. Criteria: Invitae Variant Classification Sherloc (09022015). Collection method: clinical testing. Allele origin: germline.
Comment: This variant has not been reported in the literature in individuals affected with PKD2-related conditions. This sequence change creates a premature translational stop signal (p.Leu273Cysfs*44) in the PKD2 gene. It is expected to result in an absent or disrupted protein product. Loss-of-function variants in PKD2 are known to be pathogenic (PMID: 17582161, 22863349). This variant is not present in population databases (gnomAD no frequency). For these reasons, this variant has been classified as Pathogenic.

Literature cited by the submitters: PubMed 17582161; PubMed 22863349.

NM_000297.4(PKD2):c.816del (p.Leu273fs)

Gene: PKD2 (polycystin 2, transient receptor potential cation channel; plus strand). Cytogenetic location: 4q22.1.
Variant type: Deletion.
Coding change: c.816del on transcript NM_000297.4 (MANE Select); coding-DNA position 816, one base deleted (T; older notation c.816delT).
Protein change: p.Leu273fs; shifts the reading frame from leucine 273.
Molecular consequence: frameshift variant. On other transcripts: non-coding transcript variant (1).
Genome position (GRCh38, 1-based): chr4:88,036,326, T deleted. VCF-style (leftmost placement, unchanged base first): chr4-88036325-CT-C. GRCh37 (hg19) VCF-style: chr4-88957477-CT-C.
Other names: short protein forms L273fs.
Identifiers: ClinVar variation 2862730 (VCV002862730.3), dbSNP rs2475896175, ClinGen allele CA2671365570.
Genomic context (GRCh38, chr4:88,036,325, plus strand): 5'-TGATGTCACAGCTCTTCCTAGACACCCCCGTGTCCAAAACGGAGAAAACTAACTTTAAAA[CT>C]CTGTCTTCCATGGAAGACTTCTGGAAGGTATTTGCAAATAACTTTGAAAGTACCTCTCTA-3'